The following is an entry in ClinVar:

ClinVar aggregate classification (germline): Uncertain significance (1 of 4 stars; one submission).

Allele frequency attached by ClinVar (database versions not stated): ExAC 0.00003; gnomAD 0.00004; gnomAD exomes 0.00009.
gnomAD v4.1: 135 of 1,613,446 alleles (0.0084%); highest among the groups gnomAD compares: Non-Finnish European, 0.011%; no homozygotes.

Submission:

Labcorp Genetics (formerly Invitae), Labcorp
Classification: Uncertain significance. Last evaluated: 2024-03-11. Review status: criteria provided, single submitter. Criteria: Invitae Variant Classification Sherloc (09022015). Collection method: clinical testing. Allele origin: germline.
Comment: This sequence change replaces alanine, which is neutral and non-polar, with valine, which is neutral and non-polar, at codon 246 of the YWHAE protein (p.Ala246Val). This variant is present in population databases (rs754262216, gnomAD 0.004%). This variant has not been reported in the literature in individuals affected with YWHAE-related conditions. ClinVar contains an entry for this variant (Variation ID: 2418828). Algorithms developed to predict the effect of missense changes on protein structure and function output the following: SIFT: "Not Available"; PolyPhen-2: "Benign"; Align-GVGD: "Not Available". The valine amino acid residue is found in multiple mammalian species, which suggests that this missense change does not adversely affect protein function. In summary, the available evidence is currently insufficient to determine the role of this variant in disease. Therefore, it has been classified as a Variant of Uncertain Significance.

NM_006761.5(YWHAE):c.737C>T (p.Ala246Val)

Gene: YWHAE (tyrosine 3-monooxygenase/tryptophan 5-monooxygenase activation protein epsilon; minus strand). Cytogenetic location: 17p13.3.
Variant type: single nucleotide variant.
Coding change: c.737C>T on transcript NM_006761.5 (MANE Select); coding-DNA position 737, C replaced by T.
Protein change: p.Ala246Val; replaces alanine 246 with valine.
Molecular consequence: missense variant. On other transcripts: non-coding transcript variant (1).
Genome position (GRCh38, 1-based): chr17:1,345,478, G>A on the plus strand (C>T on the coding strand, the complement: YWHAE is on the minus strand). VCF-style: chr17-1345478-G-A. GRCh37 (hg19) VCF-style: chr17-1248772-G-A.
Other names: short protein forms A246V.
Identifiers: ClinVar variation 2418828 (VCV002418828.6), dbSNP rs754262216, ClinGen allele CA8266085.